The following is an entry in ClinVar:

NM_014314.4(RIGI):c.847A>C (p.Lys283Gln)

Gene: RIGI (RNA sensor RIG-I; minus strand). Cytogenetic location: 9p21.1.
Variant type: single nucleotide variant.
Coding change: c.847A>C on transcript NM_014314.4 (MANE Select); coding-DNA position 847, A replaced by C.
Protein change: p.Lys283Gln; replaces lysine 283 with glutamine.
Molecular consequence: missense variant.
Genome position (GRCh38, 1-based): chr9:32,488,840, T>G on the plus strand (A>C on the coding strand, the complement: RIGI is on the minus strand). VCF-style: chr9-32488840-T-G. GRCh37 (hg19) VCF-style: chr9-32488838-T-G.
Other names: c.847A>C, p.Lys283Gln (NM_001385907.1, NM_001385909.1); c.406A>C, p.Lys136Gln (NM_001385910.1); c.238A>C, p.Lys80Gln (NM_001385912.1); c.832A>C, p.Lys278Gln (NM_001385913.1); c.403A>C, p.Lys135Gln (NM_001385914.1); short protein forms K80Q, K136Q, K135Q, K278Q, K283Q.
Identifiers: ClinVar variation 3693943 (VCV003693943.2).

ClinVar aggregate classification (germline): Uncertain significance (1 of 4 stars; one submission).

gnomAD v4.1: 1 of 1,613,358 alleles (0.000062%); highest among the groups gnomAD compares: South Asian, 0.0011%; no homozygotes.

Submission:

Labcorp Genetics (formerly Invitae), Labcorp
Classification: Uncertain significance. Last evaluated: 2024-12-09. Review status: criteria provided, single submitter. Criteria: Invitae Variant Classification Sherloc (09022015). Collection method: clinical testing. Allele origin: germline.
Comment: This sequence change replaces lysine, which is basic and polar, with glutamine, which is neutral and polar, at codon 283 of the DDX58 protein (p.Lys283Gln). This variant is present in population databases (rs781591155, gnomAD 0.003%). This variant has not been reported in the literature in individuals affected with DDX58-related conditions. Invitae Evidence Modeling of protein sequence and biophysical properties (such as structural, functional, and spatial information, amino acid conservation, physicochemical variation, residue mobility, and thermodynamic stability) indicates that this missense variant is not expected to disrupt DDX58 protein function with a negative predictive value of 80%. In summary, the available evidence is currently insufficient to determine the role of this variant in disease. Therefore, it has been classified as a Variant of Uncertain Significance.